The following is an entry in ClinVar:

NM_001378457.1(DMXL2):c.6319_6320del (p.Glu2106_Ser2107insTer)

Gene: DMXL2 (Dmx like 2; minus strand). Cytogenetic location: 15q21.2.
Variant type: Microsatellite.
Coding change: c.6319_6320del on transcript NM_001378457.1 (MANE Select); coding-DNA positions 6319 to 6320, 2 bases deleted (AG; older notation c.6319_6320delAG).
Protein change: p.Glu2106_Ser2107insTer.
Molecular consequence: nonsense. On other transcripts: non-coding transcript variant (2).
Genome position (GRCh38, 1-based): chr15:51,480,786-51,480,787, CT deleted on the plus strand (AG on the coding strand, the reverse complement: DMXL2 is on the minus strand); deleting any 2 consecutive bases within chr15:51,480,786-51,480,791 gives the same sequence; the c. name uses the placement nearest the transcript's 3' end. VCF-style (leftmost placement, unchanged base first): chr15-51480785-ACT-A. GRCh37 (hg19) VCF-style: chr15-51772982-ACT-A.
Other names: c.6319_6320del, p.Glu2106_Ser2107insTer (NM_001378458.1, NM_001378459.1, NM_001378461.1 and 4 more transcripts); c.4300_4301del, p.Glu1433_Ser1434insTer (NM_001378460.1); c.6079_6080del, p.Glu2026_Ser2027insTer (NM_001378464.1); c.4411_4412del, p.Glu1470_Ser1471insTer (NM_001174117.3).
Identifiers: ClinVar variation 2126948 (VCV002126948.4), dbSNP rs752984947, ClinGen allele CA7561660.

ClinVar aggregate classification (germline): Pathogenic (1 of 4 stars; one submission).

Submission:

Labcorp Genetics (formerly Invitae), Labcorp
Classification: Pathogenic. Last evaluated: 2024-05-18. Review status: criteria provided, single submitter. Criteria: Invitae Variant Classification Sherloc (09022015). Collection method: clinical testing. Allele origin: germline.
Comment: This sequence change creates a premature translational stop signal (p.Ser2107*) in the DMXL2 gene. It is expected to result in an absent or disrupted protein product. Loss-of-function variants in DMXL2 are known to be pathogenic (PMID: 30237576, 31688942). This variant is present in population databases (rs752984947, gnomAD 0.0009%). This variant has not been reported in the literature in individuals affected with DMXL2-related conditions. For these reasons, this variant has been classified as Pathogenic.

Literature cited by the submitters: PubMed 30237576; PubMed 31688942.